The following is an entry in ClinVar:

ClinVar aggregate classification (germline): Uncertain significance (1 of 4 stars; one submission).

Conditions:
Inborn genetic diseases. Identifiers: MedGen C0950123, MeSH D030342.

Submission:

Ambry Genetics
Classification: Uncertain significance for Inborn genetic diseases. Last evaluated: 2025-11-30. Review status: criteria provided, single submitter. Criteria: Ambry Variant Classification Scheme 2023. Collection method: clinical testing. Allele origin: germline.
Comment: The p.E562V variant (also known as c.1685A>T), located in coding exon 1 of the SAMD9L gene, results from an A to T substitution at nucleotide position 1685. The glutamic acid at codon 562 is replaced by valine, an amino acid with dissimilar properties. This amino acid position is conserved. In addition, the in silico prediction for this alteration is inconclusive. Based on the available evidence, the clinical significance of this variant remains unclear.

NM_152703.5(SAMD9L):c.1685A>T (p.Glu562Val)

Gene: SAMD9L (sterile alpha motif domain containing 9 like; minus strand). Cytogenetic location: 7q21.2.
Variant type: single nucleotide variant.
Coding change: c.1685A>T on transcript NM_152703.5 (MANE Select); coding-DNA position 1685, A replaced by T.
Protein change: p.Glu562Val; replaces glutamic acid 562 with valine.
Molecular consequence: missense variant.
Genome position (GRCh38, 1-based): chr7:93,134,287, T>A on the plus strand (A>T on the coding strand, the complement: SAMD9L is on the minus strand). VCF-style: chr7-93134287-T-A. GRCh37 (hg19) VCF-style: chr7-92763600-T-A.
Other names: c.1685A>T, p.Glu562Val (NM_001303496.3, NM_001303497.3, NM_001303498.3 and 5 more transcripts); short protein forms E562V.
Identifiers: ClinVar variation 4630149 (VCV004630149.1).